The following is an entry in ClinVar:

ClinVar aggregate classification (germline): Likely pathogenic (1 of 4 stars; one submission).

Submission:

GeneDx
Classification: Likely pathogenic. Last evaluated: 2019-05-29. Review status: criteria provided, single submitter. Criteria: GeneDx Variant Classification Process June 2021. Collection method: clinical testing. Allele origin: germline. Affected: yes.
Comment: Not observed at a significant frequency in large population cohorts (Lek et al., 2016); Has not been previously published as pathogenic or benign to our knowledge

NM_000161.3(GCH1):c.610del (p.Gly203_Val204insTer)

Gene: GCH1 (GTP cyclohydrolase 1; minus strand). Cytogenetic location: 14q22.2.
Variant type: Deletion.
Coding change: c.610del on transcript NM_000161.3 (MANE Select); coding-DNA position 610, one base deleted (G; older notation c.610delG).
Protein change: p.Gly203_Val204insTer.
Molecular consequence: nonsense.
Genome position (GRCh38, 1-based): chr14:54,845,784, C deleted on the plus strand (G on the coding strand, the reverse complement: GCH1 is on the minus strand); the first of 4 consecutive C bases (chr14:54,845,784-54,845,787); deleting any one gives the same sequence. VCF-style (leftmost placement, unchanged base first): chr14-54845783-AC-A. GRCh37 (hg19) VCF-style: chr14-55312501-AC-A.
Other names: c.610delG (NM_000161.2); c.610del, p.Gly203_Val204insTer (NM_001024024.2, NM_001024070.2, NM_001024071.2).
Identifiers: ClinVar variation 265172 (VCV000265172.3), dbSNP rs886039378, ClinGen allele CA10588576.